The following is an entry in ClinVar:

NM_004187.5(KDM5C):c.3434C>G (p.Ser1145Cys)

Gene: KDM5C (lysine demethylase 5C; minus strand). Cytogenetic location: Xp11.22.
Variant type: single nucleotide variant.
Coding change: c.3434C>G on transcript NM_004187.5 (MANE Select); coding-DNA position 3434, C replaced by G.
Protein change: p.Ser1145Cys; replaces serine 1145 with cysteine.
Molecular consequence: missense variant. On other transcripts: non-coding transcript variant (3).
Genome position (GRCh38, 1-based): chrX:53,194,935, G>C on the plus strand (C>G on the coding strand, the complement: KDM5C is on the minus strand). VCF-style: chrX-53194935-G-C. GRCh37 (hg19) VCF-style: chrX-53224117-G-C.
Other names: c.3233C>G, p.Ser1078Cys (NM_001146702.2); c.3431C>G, p.Ser1144Cys (NM_001282622.3, NM_001353979.2, NM_001353982.2); c.3434C>G, p.Ser1145Cys (NM_001353978.3, NM_001353981.2, NM_001353984.2); short protein forms S1078C, S1144C, S1145C.
Identifiers: ClinVar variation 3390542 (VCV003390542.1).

ClinVar aggregate classification (germline): Uncertain significance (1 of 4 stars; one submission).

Submission:

GeneDx
Classification: Uncertain significance. Last evaluated: 2024-06-14. Review status: criteria provided, single submitter. Criteria: GeneDx Variant Classification Process June 2021. Collection method: clinical testing. Allele origin: germline. Affected: yes.
Comment: Not observed at significant frequency in large population cohorts (gnomAD); In silico analysis supports that this missense variant has a deleterious effect on protein structure/function; Has not been previously published as pathogenic or benign to our knowledge